The following is an entry in ClinVar:

ClinVar aggregate classification (germline): Uncertain significance. Review status: criteria provided, multiple submitters, no conflicts (2 of 4 stars). 3 submissions from 3 submitters: Uncertain significance (3). Last evaluated 2025-12-09.

Conditions:
Inborn genetic diseases. Identifiers: MedGen C0950123, MeSH D030342.
Leukoencephalopathy with vanishing white matter 1 (VWM1). Also called: CHILDHOOD ATAXIA WITH CENTRAL NERVOUS SYSTEM HYPOMYELINIZATION; Cree leukoencephalopathy; Vanishing white matter leukodystrophy; EIF2B1-Related Childhood Ataxia with Central Nervous System Hypomyelination/Vanishing White Matter. Identifiers: Orphanet 99854, MedGen C5779972, MONDO:0020507, OMIM 603896.

Allele frequency attached by ClinVar (database versions not stated): gnomAD 0.00001; ExAC 0.00003.

Submissions (3):

Ambry Genetics
Classification: Uncertain significance for Inborn genetic diseases. Last evaluated: 2025-12-09. Review status: criteria provided, single submitter. Criteria: Ambry Variant Classification Scheme 2023. Collection method: clinical testing. Allele origin: germline.

Labcorp Genetics (formerly Invitae), Labcorp
Classification: Uncertain significance. Last evaluated: 2025-03-17. Review status: criteria provided, single submitter. Criteria: Invitae Variant Classification Sherloc (09022015). Collection method: clinical testing. Allele origin: germline.
Comment: This sequence change replaces arginine, which is basic and polar, with histidine, which is basic and polar, at codon 698 of the EIF2B5 protein (p.Arg698His). The frequency data for this variant in the population databases is considered unreliable, as metrics indicate poor data quality at this position in the gnomAD database. This variant has not been reported in the literature in individuals affected with EIF2B5-related conditions. ClinVar contains an entry for this variant (Variation ID: 2154716). Invitae Evidence Modeling of protein sequence and biophysical properties (such as structural, functional, and spatial information, amino acid conservation, physicochemical variation, residue mobility, and thermodynamic stability) indicates that this missense variant is not expected to disrupt EIF2B5 protein function with a negative predictive value of 80%. In summary, the available evidence is currently insufficient to determine the role of this variant in disease. Therefore, it has been classified as a Variant of Uncertain Significance.

Neuberg Centre For Genomic Medicine, NCGM
Classification: Uncertain significance for Leukoencephalopathy with vanishing white matter 1. Review status: criteria provided, single submitter. Criteria: ACMG Guidelines, 2015. Collection method: clinical testing. Allele origin: germline. Inheritance: Autosomal recessive inheritance. Affected: yes.
Comment: The observed missense c.2093G>A(p.Arg698His) variant in EIF2B5 gene has not been reported previously as a pathogenic variant nor as a benign variant, to our knowledge. This variant is reported with the allele frequency of 0.0008% in the gnomAD Exomes. This variant has been reported to the ClinVar database as Uncertain Significance. However, no details are available for independent assessment. The amino acid Arg at position 698 is changed to a His changing protein sequence and it might alter its composition and physico-chemical properties. The amino acid change p.Arg698His in EIF2B5 is predicted as conserved by GERP++ and PhyloP across 100 vertebrates. The variant is predicted as damaging by SIFT. For these reasons, this variant has been classified as Uncertain Significance.

NM_003907.3(EIF2B5):c.2093G>A (p.Arg698His)

Gene: EIF2B5 (eukaryotic translation initiation factor 2B subunit epsilon; plus strand). Cytogenetic location: 3q27.1.
Variant type: single nucleotide variant.
Coding change: c.2093G>A on transcript NM_003907.3 (MANE Select); coding-DNA position 2093, G replaced by A.
Protein change: p.Arg698His; replaces arginine 698 with histidine.
Molecular consequence: missense variant.
Genome position (GRCh38, 1-based): chr3:184,144,694, G>A. VCF-style: chr3-184144694-G-A. GRCh37 (hg19) VCF-style: chr3-183862482-G-A.
Other names: c.2093G>A (NM_003907.2); short protein forms R698H.
Identifiers: ClinVar variation 2154716 (VCV002154716.5), dbSNP rs543846542, ClinGen allele CA2726886.